The following is an entry in ClinVar:

NM_001278716.2(FBXL4):c.59G>A (p.Arg20Gln)

Gene: FBXL4 (F-box and leucine rich repeat protein 4; minus strand). Cytogenetic location: 6q16.2.
Variant type: single nucleotide variant.
Coding change: c.59G>A on transcript NM_001278716.2 (MANE Select); coding-DNA position 59, G replaced by A.
Protein change: p.Arg20Gln; replaces arginine 20 with glutamine.
Molecular consequence: missense variant. On other transcripts: non-coding transcript variant (2).
Genome position (GRCh38, 1-based): chr6:98,926,930, C>T on the plus strand (G>A on the coding strand, the complement: FBXL4 is on the minus strand). VCF-style: chr6-98926930-C-T. GRCh37 (hg19) VCF-style: chr6-99374806-C-T.
Other names: c.59G>A, p.Arg20Gln (NM_012160.5); short protein forms R20Q.
Identifiers: ClinVar variation 3699951 (VCV003699951.1).
Genomic context (GRCh38, chr6:98,926,930, plus strand): 5'-GATTCTATAGCTCTATGGGTGTTCATCATTTCTCCTCTTGTAGCTGTCCTGGCTCGGCGC[C>T]GAAGGCATATATAATAAAACATGGTCAGAACTGTTAACATGGGAAAGACCGGTGACATCT-3'
Protein context (NP_001265645.1, residues 10-30): VLTMFYYICL[Arg20Gln]RRARTATRGE

ClinVar aggregate classification (germline): Uncertain significance (1 of 4 stars; one submission).

gnomAD v4.1: 11 of 1,613,924 alleles (0.00068%); highest among the groups gnomAD compares: Admixed American, 0.0067%; no homozygotes.

Submission:

Labcorp Genetics (formerly Invitae), Labcorp
Classification: Uncertain significance. Last evaluated: 2024-03-09. Review status: criteria provided, single submitter. Criteria: Invitae Variant Classification Sherloc (09022015). Collection method: clinical testing. Allele origin: germline.
Comment: This sequence change replaces arginine, which is basic and polar, with glutamine, which is neutral and polar, at codon 20 of the FBXL4 protein (p.Arg20Gln). This variant is present in population databases (no rsID available, gnomAD 0.007%). This variant has not been reported in the literature in individuals affected with FBXL4-related conditions. Advanced modeling of protein sequence and biophysical properties (such as structural, functional, and spatial information, amino acid conservation, physicochemical variation, residue mobility, and thermodynamic stability) performed at Invitae indicates that this missense variant is expected to disrupt FBXL4 protein function with a positive predictive value of 95%. Algorithms developed to predict the effect of sequence changes on RNA splicing suggest that this variant may disrupt the consensus splice site. In summary, the available evidence is currently insufficient to determine the role of this variant in disease. Therefore, it has been classified as a Variant of Uncertain Significance.